The following is an entry in ClinVar:

ClinVar aggregate classification (germline): Benign/Likely benign. Review status: criteria provided, multiple submitters, no conflicts (2 of 4 stars). 2 submissions from 2 submitters: Benign (1); Likely benign (1). Last evaluated 2024-10-02.

Conditions:
Familial cancer of breast. Also called: Hereditary breast cancer; hereditary breast carcinoma; BREAST CANCER, FAMILIAL. Identifiers: Orphanet 227535, MedGen C0346153, MONDO:0016419, OMIM 114480. Disease mechanism: loss of function.

Submissions (2):

Myriad Genetics, Inc.
Classification: Benign for Familial cancer of breast. Last evaluated: 2024-10-02. Review status: criteria provided, single submitter. Criteria: Myriad Autosomal Dominant, Autosomal Recessive and X-Linked Classification Criteria (2023). Collection method: clinical testing. Allele origin: unknown.
Comment: This variant is considered benign. This variant is a silent/synonymous amino acid change and it is not expected to impact splicing.

Labcorp Genetics (formerly Invitae), Labcorp
Classification: Likely benign for Familial cancer of breast. Last evaluated: 2020-10-23. Review status: criteria provided, single submitter. Criteria: Invitae Variant Classification Sherloc (09022015). Collection method: clinical testing. Allele origin: germline.

NM_007194.4(CHEK2):c.516A>G (p.Thr172=)

Gene: CHEK2 (checkpoint kinase 2; minus strand). Cytogenetic location: 22q12.1.
Variant type: single nucleotide variant.
Coding change: c.516A>G on transcript NM_007194.4 (MANE Select); coding-DNA position 516, A replaced by G.
Protein change: p.Thr172=; no amino-acid change (threonine 172 retained).
Molecular consequence: synonymous variant. On other transcripts: 5 prime UTR variant (2), intron variant (1).
Genome position (GRCh38, 1-based): chr22:28,725,053, T>C on the plus strand (A>G on the coding strand, the complement: CHEK2 is on the minus strand). VCF-style: chr22-28725053-T-C. GRCh37 (hg19) VCF-style: chr22-29121041-T-C.
Other names: c.645A>G, p.Thr215= (NM_001005735.3, NM_001438294.1); c.-262A>G (NM_001257387.3); c.-148A>G (NM_001437942.1); c.609A>G, p.Thr203= (NM_001438293.1, NM_001438295.1); c.516A>G, p.Thr172= (NM_145862.3); c.445-130A>G (NM_001349956.3).
Identifiers: ClinVar variation 1152171 (VCV001152171.11), dbSNP rs2146059358, ClinGen allele CA514168914.